The following is an entry in ClinVar:

NM_001378615.1(CC2D2A):c.4437G>C (p.Gln1479His)

Genes: FBXL5 (F-box and leucine rich repeat protein 5; minus strand), CC2D2A (coiled-coil and C2 domain containing 2A; plus strand). Cytogenetic location: 4p15.32.
Variant type: single nucleotide variant.
Coding change: c.4437G>C on transcript NM_001378615.1 (MANE Select); coding-DNA position 4437, G replaced by C.
Protein change: p.Gln1479His; replaces glutamine 1479 with histidine.
Molecular consequence: missense variant.
Genome position (GRCh38, 1-based): chr4:15,596,207, G>C. VCF-style: chr4-15596207-G-C. GRCh37 (hg19) VCF-style: chr4-15597830-G-C.
Other names: c.4437G>C, p.Gln1479His (NM_001080522.2); c.4290G>C, p.Gln1430His (NM_001378617.1); short protein forms Q1479H, Q1430H.
Identifiers: ClinVar variation 238280 (VCV000238280.11), dbSNP rs878854168, ClinGen allele CA10582216.

ClinVar aggregate classification (germline): Uncertain significance (1 of 4 stars; one submission).

Conditions:
Joubert syndrome. Also called: Familial aplasia of the vermis; JOUBERT-BOLTSHAUSER SYNDROME. Identifiers: Orphanet 475, MedGen C5979921, MONDO:0018772.
Meckel-Gruber syndrome. Also called: Dysencephalia splachnocystica; DYSENCEPHALIA SPLANCHNOCYSTICA; GRUBER SYNDROME. Identifiers: Orphanet 564, MedGen C0265215, MONDO:0018921.

Submission:

Labcorp Genetics (formerly Invitae), Labcorp
Classification: Uncertain significance for Joubert syndrome; Meckel-Gruber syndrome. Last evaluated: 2022-07-05. Review status: criteria provided, single submitter. Criteria: Invitae Variant Classification Sherloc (09022015). Collection method: clinical testing. Allele origin: germline.
Comment: In summary, the available evidence is currently insufficient to determine the role of this variant in disease. Therefore, it has been classified as a Variant of Uncertain Significance. Variants that disrupt the consensus splice site are a relatively common cause of aberrant splicing (PMID: 17576681, 9536098). Algorithms developed to predict the effect of sequence changes on RNA splicing suggest that this variant may disrupt the consensus splice site. Algorithms developed to predict the effect of missense changes on protein structure and function are either unavailable or do not agree on the potential impact of this missense change (SIFT: "Deleterious"; PolyPhen-2: "Possibly Damaging"; Align-GVGD: "Class C0"). ClinVar contains an entry for this variant (Variation ID: 238280). This variant has not been reported in the literature in individuals affected with CC2D2A-related conditions. This variant is not present in population databases (gnomAD no frequency). This sequence change replaces glutamine, which is neutral and polar, with histidine, which is basic and polar, at codon 1479 of the CC2D2A protein (p.Gln1479His). This variant also falls at the last nucleotide of exon 35, which is part of the consensus splice site for this exon.

Literature cited by the submitters: PubMed 17576681; PubMed 9536098.